The following is an entry in ClinVar:

NM_144997.7(FLCN):c.737G>A (p.Ser246Asn)

Gene: FLCN (folliculin; minus strand). Cytogenetic location: 17p11.2.
Variant type: single nucleotide variant.
Coding change: c.737G>A on transcript NM_144997.7 (MANE Select); coding-DNA position 737, G replaced by A.
Protein change: p.Ser246Asn; replaces serine 246 with asparagine.
Molecular consequence: missense variant.
Genome position (GRCh38, 1-based): chr17:17,222,543, C>T on the plus strand (G>A on the coding strand, the complement: FLCN is on the minus strand). VCF-style: chr17-17222543-C-T. GRCh37 (hg19) VCF-style: chr17-17125857-C-T.
Other names: c.737G>A (LRG_325t1); c.791G>A, p.Ser264Asn (NM_001353229.2); c.737G>A, p.Ser246Asn (NM_001353230.2, NM_001353231.2, NM_144606.7); short protein forms S246N, S264N.
Identifiers: ClinVar variation 460630 (VCV000460630.5), dbSNP rs1555609798, ClinGen allele CA398533907.

ClinVar aggregate classification (germline): Conflicting classifications of pathogenicity. Review status: criteria provided, conflicting classifications (1 of 4 stars). 2 submissions from 2 submitters: Uncertain significance (1); Likely benign (1). Last evaluated 2025-09-25.

Conditions:
Hereditary cancer-predisposing syndrome. Also called: Hereditary neoplastic syndrome; Neoplastic Syndromes, Hereditary; Tumor predisposition; Hereditary Cancer Syndrome. Identifiers: Orphanet 140162, MedGen C0027672, MeSH D009386, MONDO:0015356.
Birt-Hogg-Dube syndrome. Also called: Birt Hogg Dubé syndrome. Identifiers: Orphanet 122, MedGen C0346010, MONDO:0800444.

Submissions (2):

Ambry Genetics
Classification: Likely benign for Hereditary cancer-predisposing syndrome. Last evaluated: 2025-09-25. Review status: criteria provided, single submitter. Criteria: Ambry Variant Classification Scheme 2023. Collection method: clinical testing. Allele origin: germline.

Labcorp Genetics (formerly Invitae), Labcorp
Classification: Uncertain significance for Birt-Hogg-Dube syndrome. Last evaluated: 2021-11-29. Review status: criteria provided, single submitter. Criteria: Invitae Variant Classification Sherloc (09022015). Collection method: clinical testing. Allele origin: germline.
Comment: This sequence change replaces serine, which is neutral and polar, with asparagine, which is neutral and polar, at codon 246 of the FLCN protein (p.Ser246Asn). This variant is not present in population databases (gnomAD no frequency). This variant has not been reported in the literature in individuals affected with FLCN-related conditions. ClinVar contains an entry for this variant (Variation ID: 460630). Algorithms developed to predict the effect of missense changes on protein structure and function output the following: SIFT: "Tolerated"; PolyPhen-2: "Benign"; Align-GVGD: "Class C0". The asparagine amino acid residue is found in multiple mammalian species, which suggests that this missense change does not adversely affect protein function. In summary, the available evidence is currently insufficient to determine the role of this variant in disease. Therefore, it has been classified as a Variant of Uncertain Significance.